The following is an entry in ClinVar:

NM_004183.4(BEST1):c.686G>T (p.Trp229Leu)

Gene: BEST1 (bestrophin 1; plus strand). Cytogenetic location: 11q12.3.
Variant type: single nucleotide variant.
Coding change: c.686G>T on transcript NM_004183.4 (MANE Select); coding-DNA position 686, G replaced by T.
Protein change: p.Trp229Leu; replaces tryptophan 229 with leucine.
Molecular consequence: missense variant. On other transcripts: non-coding transcript variant (1).
Genome position (GRCh38, 1-based): chr11:61,957,436, G>T. VCF-style: chr11-61957436-G-T. GRCh37 (hg19) VCF-style: chr11-61724908-G-T.
Other names: c.506G>T, p.Trp169Leu (NM_001139443.3, NM_001300786.2, NM_001300787.2); c.368G>T, p.Trp123Leu (NM_001363591.3); c.686G>T, p.Trp229Leu (NM_001363592.2); c.-490G>T (NM_001363593.3); short protein forms W229L, W123L, W169L.
Identifiers: ClinVar variation 2780509 (VCV002780509.4), dbSNP rs2541377642, ClinGen allele CA380838780.
Genomic context (GRCh38, chr11:61,957,436, plus strand): 5'-CTGCCCCCCAGGAGATGAACACCTTGCGTACTCAGTGTGGACACCTGTATGCCTACGACT[G>T]GATTAGTATCCCACTGGTGTATACACAGGTGAGGACTAGGCTGGTGAGGCTGCCCTTTTG-3'
Protein context (NP_004174.1, residues 219-239): TQCGHLYAYD[Trp229Leu]ISIPLVYTQV

ClinVar aggregate classification (germline): Uncertain significance. Review status: criteria provided, multiple submitters, no conflicts (2 of 4 stars). 2 submissions from 2 submitters: Uncertain significance (2). Last evaluated 2023-02-11.

Allele frequency attached by ClinVar (database versions not stated): gnomAD exomes below 0.00001.

Submissions (2):

Labcorp Genetics (formerly Invitae), Labcorp
Classification: Uncertain significance. Last evaluated: 2023-02-11. Review status: criteria provided, single submitter. Criteria: Invitae Variant Classification Sherloc (09022015). Collection method: clinical testing. Allele origin: germline.
Comment: In summary, the available evidence is currently insufficient to determine the role of this variant in disease. Therefore, it has been classified as a Variant of Uncertain Significance. Advanced modeling of protein sequence and biophysical properties (such as structural, functional, and spatial information, amino acid conservation, physicochemical variation, residue mobility, and thermodynamic stability) performed at Invitae indicates that this missense variant is expected to disrupt BEST1 protein function. This variant has not been reported in the literature in individuals affected with BEST1-related conditions. This variant is not present in population databases (gnomAD no frequency). This sequence change replaces tryptophan, which is neutral and slightly polar, with leucine, which is neutral and non-polar, at codon 229 of the BEST1 protein (p.Trp229Leu).

Blueprint Genetics
Classification: Uncertain significance. Last evaluated: 2022-10-28. Review status: criteria provided, single submitter. Criteria: ACMG Guidelines, 2015. Collection method: clinical testing. Allele origin: germline.